The following is an entry in ClinVar:

ClinVar aggregate classification (germline): Uncertain significance (1 of 4 stars; one submission).

Conditions:
Arrhythmogenic cardiomyopathy with wooly hair and keratoderma. Also called: PALMOPLANTAR KERATODERMA WITH LEFT VENTRICULAR CARDIOMYOPATHY AND WOOLLY HAIR; Carvajal syndrome; Dilated cardiomyopathy with woolly hair and keratoderma; Arrhythmogenic cardiomyopathy with woolly hair and keratoderma. Identifiers: Orphanet 65282, MedGen C1854063, MONDO:0011581, OMIM 605676.

Submission:

All of Us Research Program, National Institutes of Health
Classification: Uncertain significance for Arrhythmogenic cardiomyopathy with wooly hair and keratoderma. Last evaluated: 2023-12-18. Review status: criteria provided, single submitter. Criteria: ACMG Guidelines, 2015. Collection method: clinical testing. Allele origin: germline. Inheritance: Autosomal dominant inheritance. Observed: 1 variant allele, 1 heterozygote.
Comment: This missense variant replaces isoleucine with threonine at codon 2359 of the DSP protein. Computational prediction suggests that this variant may have deleterious impact on protein structure and function (internally defined REVEL score threshold >= 0.7, PMID: 27666373). To our knowledge, functional studies have not been reported for this variant. This variant has not been reported in individuals affected with DSP-related disorders in the literature. This variant has not been identified in the general population by the Genome Aggregation Database (gnomAD). The available evidence is insufficient to determine the role of this variant in disease conclusively. Therefore, this variant is classified as a Variant of Uncertain Significance.

This study involves interpretation of variants in research participants for the purpose of population health screening. Participant phenotype was not available at the time of variant classification. Additional details can be found in publication PMID: 35346344, PMCID: PMC8962531

NM_004415.4(DSP):c.7076T>C (p.Ile2359Thr)

Gene: DSP (desmoplakin; plus strand). Cytogenetic location: 6p24.3.
Variant type: single nucleotide variant.
Coding change: c.7076T>C on transcript NM_004415.4 (MANE Select); coding-DNA position 7076, T replaced by C.
Protein change: p.Ile2359Thr; replaces isoleucine 2359 with threonine.
Molecular consequence: missense variant.
Genome position (GRCh38, 1-based): chr6:7,584,338, T>C. VCF-style: chr6-7584338-T-C. GRCh37 (hg19) VCF-style: chr6-7584571-T-C.
Other names: c.5279T>C, p.Ile1760Thr (NM_001008844.3); c.5747T>C, p.Ile1916Thr (NM_001319034.2); short protein forms I1760T, I1916T, I2359T.
Identifiers: ClinVar variation 3075184 (VCV003075184.1), dbSNP rs2533943775, ClinGen allele CA362692181.